The following is an entry in ClinVar:

NM_170699.3(GPBAR1):c.359C>G (p.Pro120Arg)

Gene: GPBAR1 (G protein-coupled bile acid receptor 1; plus strand). Cytogenetic location: 2q35.
Variant type: single nucleotide variant.
Coding change: c.359C>G on transcript NM_170699.3 (MANE Select); coding-DNA position 359, C replaced by G.
Protein change: p.Pro120Arg; replaces proline 120 with arginine.
Molecular consequence: missense variant.
Genome position (GRCh38, 1-based): chr2:218,263,083, C>G. VCF-style: chr2-218263083-C-G. GRCh37 (hg19) VCF-style: chr2-219127806-C-G.
Other names: c.359C>G, p.Pro120Arg (NM_001077191.2, NM_001077194.2, NM_001321950.2); short protein forms P120R.
Identifiers: ClinVar variation 4986887 (VCV004986887.1).
Genomic context (GRCh38, chr2:218,263,083, plus strand): 5'-TTGCCAACCTCTTGCTGGTGCACGGGGAGCGCTACATGGCAGTCCTGAGGCCACTCCAGC[C>G]CCCTGGGAGCATTCGGCTGGCCCTGCTCCTCACCTGGGCTGGTCCCCTGCTCTTTGCCAG-3'
Protein context (NP_733800.1, residues 110-130): RYMAVLRPLQ[Pro120Arg]PGSIRLALLL

ClinVar aggregate classification (germline): Uncertain significance (1 of 4 stars; one submission).

Conditions:
GPBAR1-related disorder. Also called: GPBAR1-related condition.

Submission:

PreventionGenetics, part of Exact Sciences
Classification: Uncertain significance for GPBAR1-related condition. Last evaluated: 2025-03-12. Review status: criteria provided, single submitter. Criteria: ACMG Guidelines, 2015. Collection method: clinical testing. Allele origin: germline.
Comment: The GPBAR1 c.359C>G variant is predicted to result in the amino acid substitution p.Pro120Arg. To our knowledge, this variant has not been reported in the literature. This variant is reported in 0.0065% of alleles in individuals of European (Non-Finnish) descent in gnomAD. At this time, the clinical significance of this variant is uncertain due to the absence of conclusive functional and genetic evidence.